The following is an entry in ClinVar:

ClinVar aggregate classification (germline): Pathogenic (1 of 4 stars; one submission).

Submission:

Labcorp Genetics (formerly Invitae), Labcorp
Classification: Pathogenic. Last evaluated: 2022-10-31. Review status: criteria provided, single submitter. Criteria: Invitae Variant Classification Sherloc (09022015). Collection method: clinical testing. Allele origin: germline.
Comment: For these reasons, this variant has been classified as Pathogenic. This variant has not been reported in the literature in individuals affected with VPS13D-related conditions. This variant is not present in population databases (gnomAD no frequency). This sequence change creates a premature translational stop signal (p.Ala1861Glyfs*28) in the VPS13D gene. It is expected to result in an absent or disrupted protein product. Loss-of-function variants in VPS13D are known to be pathogenic (PMID: 29518281).

Literature cited by the submitters: PubMed 29518281.

NM_015378.4(VPS13D):c.5581dup (p.Ala1861fs)

Gene: VPS13D (vacuolar protein sorting 13 homolog D; plus strand). Cytogenetic location: 1p36.22.
Variant type: Duplication.
Coding change: c.5581dup on transcript NM_015378.4 (MANE Select); coding-DNA position 5581, one base duplicated (G; older notation c.5581dupG).
Protein change: p.Ala1861fs; shifts the reading frame from alanine 1861.
Molecular consequence: frameshift variant.
Genome position (GRCh38, 1-based): chr1:12,283,683, G duplicated. VCF-style (leftmost placement, unchanged base first): chr1-12283682-T-TG. GRCh37 (hg19) VCF-style: chr1-12343739-T-TG.
Other names: c.5581dup, p.Ala1861fs (NM_018156.4); short protein forms A1861fs.
Identifiers: ClinVar variation 2810538 (VCV002810538.3), dbSNP rs2524056466, ClinGen allele CA2739272310.